The following is an entry in ClinVar:

NM_001369.3(DNAH5):c.12044A>C (p.Tyr4015Ser)

Gene: DNAH5 (dynein axonemal heavy chain 5; minus strand). Cytogenetic location: 5p15.2.
Variant type: single nucleotide variant.
Coding change: c.12044A>C on transcript NM_001369.3 (MANE Select); coding-DNA position 12044, A replaced by C.
Protein change: p.Tyr4015Ser; replaces tyrosine 4015 with serine.
Molecular consequence: missense variant.
Genome position (GRCh38, 1-based): chr5:13,721,235, T>G on the plus strand (A>C on the coding strand, the complement: DNAH5 is on the minus strand). VCF-style: chr5-13721235-T-G. GRCh37 (hg19) VCF-style: chr5-13721344-T-G.
Other names: short protein forms Y4015S.
Identifiers: ClinVar variation 407240 (VCV000407240.7), dbSNP rs1060501463, ClinGen allele CA16611797.

ClinVar aggregate classification (germline): Uncertain significance. Review status: criteria provided, multiple submitters, no conflicts (2 of 4 stars). 2 submissions from 2 submitters: Uncertain significance (2). Last evaluated 2021-09-24.

Conditions:
Primary ciliary dyskinesia. Also called: Ciliary dyskinesia. Identifiers: Orphanet 244, MedGen C0008780, MONDO:0016575, HP:0012265.
Primary ciliary dyskinesia 3. Identifiers: Orphanet 244, MedGen C1837618, MONDO:0012085, OMIM 608644.

Allele frequency attached by ClinVar (database versions not stated): gnomAD exomes below 0.00001.
gnomAD v4.1: 1 of 1,614,170 alleles (0.000062%); highest among the groups gnomAD compares: Admixed American, 0.0017%; no homozygotes.

Submissions (2):

Labcorp Genetics (formerly Invitae), Labcorp
Classification: Uncertain significance for Primary ciliary dyskinesia. Last evaluated: 2021-09-24. Review status: criteria provided, single submitter. Criteria: Invitae Variant Classification Sherloc (09022015). Collection method: clinical testing. Allele origin: germline.
Comment: This sequence change replaces tyrosine with serine at codon 4015 of the DNAH5 protein (p.Tyr4015Ser). The tyrosine residue is highly conserved and there is a large physicochemical difference between tyrosine and serine. This variant is not present in population databases (ExAC no frequency). This variant has not been reported in the literature in individuals affected with DNAH5-related conditions. ClinVar contains an entry for this variant (Variation ID: 407240). Algorithms developed to predict the effect of missense changes on protein structure and function are either unavailable or do not agree on the potential impact of this missense change (SIFT: "Deleterious"; PolyPhen-2: "Possibly Damaging"; Align-GVGD: "Class C0"). In summary, the available evidence is currently insufficient to determine the role of this variant in disease. Therefore, it has been classified as a Variant of Uncertain Significance.

Baylor Genetics
Classification: Uncertain significance for Primary ciliary dyskinesia 3. Last evaluated: 2019-09-10. Review status: criteria provided, single submitter. Criteria: ACMG Guidelines, 2015. Collection method: clinical testing. Allele origin: unknown. Affected: yes.
Comment: This variant was determined to be of uncertain significance according to ACMG Guidelines, 2015 [PMID:25741868].